The following is an entry in ClinVar:

ClinVar aggregate classification (germline): Uncertain significance (1 of 4 stars; one submission).

Submission:

Labcorp Genetics (formerly Invitae), Labcorp
Classification: Uncertain significance. Last evaluated: 2025-02-24. Review status: criteria provided, single submitter. Criteria: Invitae Variant Classification Sherloc (09022015). Collection method: clinical testing. Allele origin: germline.
Comment: This sequence change replaces glutamine, which is neutral and polar, with histidine, which is basic and polar, at codon 369 of the COL4A1 protein (p.Gln369His). This variant is not present in population databases (gnomAD no frequency). This variant has not been reported in the literature in individuals affected with COL4A1-related conditions. ClinVar contains an entry for this variant (Variation ID: 2838283). Invitae Evidence Modeling of protein sequence and biophysical properties (such as structural, functional, and spatial information, amino acid conservation, physicochemical variation, residue mobility, and thermodynamic stability) indicates that this missense variant is not expected to disrupt COL4A1 protein function with a negative predictive value of 95%. In summary, the available evidence is currently insufficient to determine the role of this variant in disease. Therefore, it has been classified as a Variant of Uncertain Significance.

NM_001845.6(COL4A1):c.1107A>C (p.Gln369His)

Gene: COL4A1 (collagen type IV alpha 1 chain; minus strand). Cytogenetic location: 13q34.
Variant type: single nucleotide variant.
Coding change: c.1107A>C on transcript NM_001845.6 (MANE Select); coding-DNA position 1107, A replaced by C.
Protein change: p.Gln369His; replaces glutamine 369 with histidine.
Molecular consequence: missense variant.
Genome position (GRCh38, 1-based): chr13:110,200,867, T>G on the plus strand (A>C on the coding strand, the complement: COL4A1 is on the minus strand). VCF-style: chr13-110200867-T-G. GRCh37 (hg19) VCF-style: chr13-110853214-T-G.
Other names: c.1107A>C, p.Gln369His (NM_001303110.2); short protein forms Q369H.
Identifiers: ClinVar variation 2838283 (VCV002838283.3), dbSNP rs2501565013, ClinGen allele CA388724256.